The following is an entry in ClinVar:

NM_012464.5(TLL1):c.1043-9dup

Gene: TLL1 (tolloid like 1; plus strand). Cytogenetic location: 4q32.3.
Variant type: Duplication.
Coding change: c.1043-9dup on transcript NM_012464.5 (MANE Select); 9 bases into the intron before coding-DNA position 1043, one base duplicated (T; older notation c.1043-9dupT).
Molecular consequence: intron variant.
Genome position (GRCh38, 1-based): chr4:166,025,307, T duplicated; the last of 7 consecutive T bases (chr4:166,025,301-166,025,307); duplicating any one gives the same sequence. VCF-style (leftmost placement, unchanged base first): chr4-166025300-A-AT. GRCh37 (hg19) VCF-style: chr4-166946452-A-AT.
Other names: c.1043-9dup (NM_001204760.2).
Identifiers: ClinVar variation 3042357 (VCV003042357.2), dbSNP rs368237746, ClinGen allele CA3130777.

ClinVar aggregate classification (germline): Benign (0 of 4 stars; one submission).

Conditions:
TLL1-related disorder. Also called: TLL1-related condition.

Submission:

PreventionGenetics, part of Exact Sciences
Classification: Benign for TLL1-related condition. Last evaluated: 2019-03-06. Review status: no assertion criteria provided. Collection method: clinical testing. Allele origin: germline.
Comment: This variant is classified as benign based on ACMG/AMP sequence variant interpretation guidelines (Richards et al. 2015 PMID: 25741868, with internal and published modifications).